The following is an entry in ClinVar:

NM_000553.6(WRN):c.830A>C (p.Asn277Thr)

Gene: WRN (WRN RecQ like helicase; plus strand). Cytogenetic location: 8p12.
Variant type: single nucleotide variant.
Coding change: c.830A>C on transcript NM_000553.6 (MANE Select); coding-DNA position 830, A replaced by C.
Protein change: p.Asn277Thr; replaces asparagine 277 with threonine.
Molecular consequence: missense variant.
Genome position (GRCh38, 1-based): chr8:31,076,278, A>C. VCF-style: chr8-31076278-A-C. GRCh37 (hg19) VCF-style: chr8-30933794-A-C.
Other names: c.830A>C (NM_000553.4); short protein forms N277T.
Identifiers: ClinVar variation 1407308 (VCV001407308.8), dbSNP rs749379604, ClinGen allele CA4704167.

ClinVar aggregate classification (germline): Conflicting classifications of pathogenicity. Review status: criteria provided, conflicting classifications (1 of 4 stars). 3 submissions from 3 submitters: Uncertain significance (2); Benign (1). Last evaluated 2024-02-29.

Conditions:
Werner syndrome (WRN). Identifiers: Orphanet 902, MedGen C0043119, MONDO:0010196, OMIM 277700.
Ovarian cancer. Also called: OVARIAN CANCER, SOMATIC. Identifiers: Orphanet 213500, MedGen C1140680, MONDO:0008170, OMIM 167000.

Allele frequency attached by ClinVar (database versions not stated): gnomAD 0.00001; ExAC 0.00010.
gnomAD v4.1: 2 of 1,612,624 alleles (0.00012%); highest among the groups gnomAD compares: East Asian, 0.0045%; no homozygotes.

Submissions (3):

Fulgent Genetics
Classification: Uncertain significance for Werner syndrome. Last evaluated: 2024-02-29. Review status: criteria provided, single submitter. Criteria: ACMG Guidelines, 2015. Collection method: clinical testing. Allele origin: germline.

Labcorp Genetics (formerly Invitae), Labcorp
Classification: Uncertain significance for Werner syndrome. Last evaluated: 2022-04-08. Review status: criteria provided, single submitter. Criteria: Invitae Variant Classification Sherloc (09022015). Collection method: clinical testing. Allele origin: germline.
Comment: In summary, the available evidence is currently insufficient to determine the role of this variant in disease. Therefore, it has been classified as a Variant of Uncertain Significance. Algorithms developed to predict the effect of missense changes on protein structure and function output the following: SIFT: "Not Available"; PolyPhen-2: "Benign"; Align-GVGD: "Not Available". The threonine amino acid residue is found in multiple mammalian species, which suggests that this missense change does not adversely affect protein function. This variant has not been reported in the literature in individuals affected with WRN-related conditions. The frequency data for this variant in the population databases is considered unreliable, as metrics indicate poor data quality at this position in the gnomAD database. This sequence change replaces asparagine, which is neutral and polar, with threonine, which is neutral and polar, at codon 277 of the WRN protein (p.Asn277Thr).

Laboratory of Molecular Epidemiology of Birth Defects, West China Second University Hospital, Sichuan University
Classification: Benign for Ovarian cancer. Last evaluated: 2022-01-01. Review status: criteria provided, single submitter. Criteria: ACMG Guidelines, 2015. Collection method: clinical testing. Allele origin: germline. Affected: yes.